The following is an entry in ClinVar:

NM_000153.4(GALC):c.1834+5C>G

Gene: GALC (galactosylceramidase; minus strand). Cytogenetic location: 14q31.3.
Variant type: single nucleotide variant.
Coding change: c.1834+5C>G on transcript NM_000153.4 (MANE Select); 5 bases into the intron after coding-DNA position 1834, C replaced by G.
Molecular consequence: intron variant.
Genome position (GRCh38, 1-based): chr14:87,941,390, G>C on the plus strand (C>G on the coding strand, the complement: GALC is on the minus strand). VCF-style: chr14-87941390-G-C. GRCh37 (hg19) VCF-style: chr14-88407734-G-C.
Other names: c.1756+5C>G (NM_001201402.2); c.1765+5C>G (NM_001201401.2).
Identifiers: ClinVar variation 92499 (VCV000092499.30), dbSNP rs448805, ClinGen allele CA145809.

ClinVar aggregate classification (germline): Benign. Review status: criteria provided, multiple submitters, no conflicts (2 of 4 stars). 12 submissions from 12 submitters: Benign (7). 5 of the submissions do not count toward it. Last evaluated 2026-02-04.

Conditions:
Galactosylceramide beta-galactosidase deficiency. Also called: GALACTOCEREBROSIDASE DEFICIENCY; GALC DEFICIENCY; Leukodystrophy, Globoid Cell; Krabbe Disease; GLOBOID CELL LEUKOENCEPHALOPATHY. Identifiers: Orphanet 487, MedGen C0023521, MONDO:0009499, OMIM 245200.
GALC-related disorder. Also called: GALC-related condition.

Allele frequency attached by ClinVar (database versions not stated): 1000 Genomes Project 0.94089; 1000 Genomes Project 30x 0.94097; TOPMed 0.95053; gnomAD 0.95475 and 0.95701; ESP Exome Variant Server 0.95964; ExAC 0.98303; gnomAD exomes 0.98409 and 0.99436.
gnomAD v4.1: 1,548,806 of 1,563,728 alleles (99%); highest among the groups gnomAD compares: Non-Finnish European, 100%; 767,801 homozygotes.

Submissions (12):

Labcorp Genetics (formerly Invitae), Labcorp
Classification: Benign for Galactosylceramide beta-galactosidase deficiency. Last evaluated: 2026-02-04. Review status: criteria provided, single submitter. Criteria: Invitae Variant Classification Sherloc (09022015). Collection method: clinical testing. Allele origin: germline.

Blueprint Genetics
Classification: Benign. Last evaluated: 2024-11-27. Review status: criteria provided, single submitter. Criteria: ACMG Guidelines, 2015. Collection method: clinical testing. Allele origin: germline.

Genome-Nilou Lab
Classification: Benign for Galactosylceramide beta-galactosidase deficiency. Last evaluated: 2021-06-10. Review status: criteria provided, single submitter. Criteria: ACMG Guidelines, 2015. Collection method: clinical testing. Allele origin: germline. Affected: no.

Illumina Laboratory Services, Illumina
Classification: Benign for Galactosylceramide beta-galactosidase deficiency. Last evaluated: 2018-01-13. Review status: criteria provided, single submitter. Criteria: ICSL Variant Classification Criteria 13 December 2019. Collection method: clinical testing. Allele origin: germline.
Comment: This variant was observed in the ICSL laboratory as part of a predisposition screen in an ostensibly healthy population. It had not been previously curated by ICSL or reported in the Human Gene Mutation Database (HGMD: prior to June 1st, 2018), and was therefore a candidate for classification through an automated scoring system. Utilizing variant allele frequency, disease prevalence and penetrance estimates, and inheritance mode, an automated score was calculated to assess if this variant is too frequent to cause the disease. Based on the score and internal cut-off values, a variant classified as benign is not then subjected to further curation. The score for this variant resulted in a classification of benign for this disease.

Eurofins Ntd Llc (ga)
Classification: Benign. Last evaluated: 2015-10-27. Review status: criteria provided, single submitter. Criteria: EGL Classification Definitions 2015. Collection method: clinical testing. Allele origin: germline. Observed: 122 variant alleles, 7 heterozygotes, 114 homozygotes, 1 hemizygote.

GeneDx
Classification: Benign. Last evaluated: 2015-03-03. Review status: criteria provided, single submitter. Criteria: GeneDx Variant Classification Process June 2021. Collection method: clinical testing. Allele origin: germline. Affected: yes.

Breakthrough Genomics
Classification: Benign. Review status: criteria provided, single submitter. Criteria: ACMG Guidelines, 2015. Collection method: not provided. Allele origin: germline. Inheritance: Autosomal recessive inheritance. Affected: yes.

PreventionGenetics, part of Exact Sciences
Classification: Benign for GALC-related condition. Last evaluated: 2021-07-21. Review status: no assertion criteria provided. Collection method: clinical testing. Allele origin: germline. Not counted in ClinVar's aggregate classification.
Comment: This variant is classified as benign based on ACMG/AMP sequence variant interpretation guidelines (Richards et al. 2015 PMID: 25741868, with internal and published modifications).

Natera, Inc.
Classification: Benign for Galactosylceramide beta-galactosidase deficiency. Last evaluated: 2019-11-16. Review status: no assertion criteria provided. Collection method: clinical testing. Allele origin: germline. Not counted in ClinVar's aggregate classification.

Mayo Clinic Laboratories, Mayo Clinic
Classification: Benign. Last evaluated: 2015-10-19. Review status: no assertion criteria provided. Collection method: clinical testing. Allele origin: unknown. Not counted in ClinVar's aggregate classification.

Clinical Genetics, Academic Medical Center
Classification: Benign. Review status: no assertion criteria provided. Collection method: clinical testing. Allele origin: germline. Affected: yes. Study: VKGL Data-share Consensus. Not counted in ClinVar's aggregate classification.

Diagnostic Laboratory, Department of Genetics, University Medical Center Groningen
Classification: Benign for Galactosylceramide beta-galactosidase deficiency. Review status: no assertion criteria provided. Collection method: clinical testing. Allele origin: germline. Affected: yes. Study: VKGL Data-share Consensus. Not counted in ClinVar's aggregate classification.